The following is an entry in ClinVar:

NM_013432.5(TONSL):c.866-3C>T

Gene: TONSL (tonsoku like, DNA repair protein; minus strand). Cytogenetic location: 8q24.3.
Variant type: single nucleotide variant.
Coding change: c.866-3C>T on transcript NM_013432.5 (MANE Select); 3 bases into the intron before coding-DNA position 866, C replaced by T.
Molecular consequence: intron variant.
Genome position (GRCh38, 1-based): chr8:144,441,114, G>A on the plus strand (C>T on the coding strand, the complement: TONSL is on the minus strand). VCF-style: chr8-144441114-G-A. GRCh37 (hg19) VCF-style: chr8-145666497-G-A.
Identifiers: ClinVar variation 1895615 (VCV001895615.2), dbSNP rs777609134, ClinGen allele CA4943452.

ClinVar aggregate classification (germline): Uncertain significance (1 of 4 stars; one submission).

Allele frequency attached by ClinVar (database versions not stated): TOPMed 0.00006; gnomAD exomes 0.00008; gnomAD 0.00011; ExAC 0.00013.
gnomAD v4.1: 135 of 1,612,542 alleles (0.0084%); highest among the groups gnomAD compares: Non-Finnish European, 0.0064%; no homozygotes.

Submission:

Labcorp Genetics (formerly Invitae), Labcorp
Classification: Uncertain significance. Last evaluated: 2022-02-25. Review status: criteria provided, single submitter. Criteria: Invitae Variant Classification Sherloc (09022015). Collection method: clinical testing. Allele origin: germline.
Comment: This sequence change falls in intron 7 of the TONSL gene. It does not directly change the encoded amino acid sequence of the TONSL protein. It affects a nucleotide within the consensus splice site. This variant is present in population databases (rs777609134, gnomAD 0.09%). This variant has not been reported in the literature in individuals affected with TONSL-related conditions. Variants that disrupt the consensus splice site are a relatively common cause of aberrant splicing (PMID: 17576681, 9536098). Algorithms developed to predict the effect of sequence changes on RNA splicing suggest that this variant is not likely to affect RNA splicing. In summary, the available evidence is currently insufficient to determine the role of this variant in disease. Therefore, it has been classified as a Variant of Uncertain Significance.

Literature cited by the submitters: PubMed 17576681; PubMed 9536098.